The following is an entry in ClinVar:

ClinVar aggregate classification (germline): Uncertain significance (1 of 4 stars; one submission).

Conditions:
POLD1-related polyposis and colorectal cancer syndrome (CRCS10). Also called: COLORECTAL CANCER, SUSCEPTIBILITY TO, ON CHROMOSOME 19q; Colorectal cancer 10; Colorectal cancer, susceptibility to, 10. Identifiers: Orphanet 220460, MedGen C2675481, MONDO:0012953, OMIM 612591.

Submission:

Labcorp Genetics (formerly Invitae), Labcorp
Classification: Uncertain significance for POLD1-related polyposis and colorectal cancer syndrome. Last evaluated: 2026-01-28. Review status: criteria provided, single submitter. Criteria: Invitae Variant Classification Sherloc (09022015). Collection method: clinical testing. Allele origin: germline.
Comment: This sequence change replaces cysteine, which is neutral and slightly polar, with tyrosine, which is neutral and polar, at codon 138 of the POLD1 protein (p.Cys138Tyr). This variant is not present in population databases (gnomAD no frequency). This variant has not been reported in the literature in individuals affected with POLD1-related conditions. Invitae Evidence Modeling of protein sequence and biophysical properties (such as structural, functional, and spatial information, amino acid conservation, physicochemical variation, residue mobility, and thermodynamic stability) indicates that this missense variant is not expected to disrupt POLD1 protein function with a negative predictive value of 80%. In summary, the available evidence is currently insufficient to determine the role of this variant in disease. Therefore, it has been classified as a Variant of Uncertain Significance.

NM_002691.4(POLD1):c.413G>A (p.Cys138Tyr)

Gene: POLD1 (DNA polymerase delta 1, catalytic subunit; plus strand). Cytogenetic location: 19q13.33.
Variant type: single nucleotide variant.
Coding change: c.413G>A on transcript NM_002691.4 (MANE Select); coding-DNA position 413, G replaced by A.
Protein change: p.Cys138Tyr; replaces cysteine 138 with tyrosine.
Molecular consequence: missense variant. On other transcripts: non-coding transcript variant (1).
Genome position (GRCh38, 1-based): chr19:50,401,874, G>A. VCF-style: chr19-50401874-G-A. GRCh37 (hg19) VCF-style: chr19-50905131-G-A.
Other names: c.413G>A, p.Cys138Tyr (NM_001256849.1, NM_001308632.1, NM_001438210.1 and 3 more transcripts); short protein forms C138Y.
Identifiers: ClinVar variation 4744717 (VCV004744717.1).